The following is an entry in ClinVar:

NM_000642.3(AGL):c.2174T>C (p.Val725Ala)

Gene: AGL (amylo-alpha-1,6-glucosidase and 4-alpha-glucanotransferase; plus strand). Cytogenetic location: 1p21.2.
Variant type: single nucleotide variant.
Coding change: c.2174T>C on transcript NM_000642.3 (MANE Select); coding-DNA position 2174, T replaced by C.
Protein change: p.Val725Ala; replaces valine 725 with alanine.
Molecular consequence: missense variant.
Genome position (GRCh38, 1-based): chr1:99,881,557, T>C. VCF-style: chr1-99881557-T-C. GRCh37 (hg19) VCF-style: chr1-100347113-T-C.
Other names: c.2174T>C, p.Val725Ala (NM_000028.3, NM_000643.3, NM_000644.3 and 2 more transcripts); c.1973T>C, p.Val658Ala (NM_001425327.1); c.1970T>C, p.Val657Ala (NM_001425328.1, NM_001425329.1); c.1796T>C, p.Val599Ala (NM_001425332.1); c.2126T>C, p.Val709Ala (NM_000646.3); short protein forms V709A, V725A, V599A, V657A, V658A.
Identifiers: ClinVar variation 2417406 (VCV002417406.3), dbSNP rs770995943, ClinGen allele CA966710.

ClinVar aggregate classification (germline): Uncertain significance (1 of 4 stars; one submission).

Conditions:
Glycogen storage disease type III (GSD3). Also called: Cori disease; FORBES DISEASE. Identifiers: Orphanet 366, MedGen C0017922, MONDO:0009291, OMIM 232400.

Allele frequency attached by ClinVar (database versions not stated): gnomAD exomes below 0.00001; ExAC 0.00001; TOPMed 0.00002.
gnomAD v4.1: 2 of 1,613,856 alleles (0.00012%); highest among the groups gnomAD compares: South Asian, 0.0011%; no homozygotes.

Submission:

Labcorp Genetics (formerly Invitae), Labcorp
Classification: Uncertain significance for Glycogen storage disease type III. Last evaluated: 2022-07-22. Review status: criteria provided, single submitter. Criteria: Invitae Variant Classification Sherloc (09022015). Collection method: clinical testing. Allele origin: germline.
Comment: This sequence change replaces valine, which is neutral and non-polar, with alanine, which is neutral and non-polar, at codon 725 of the AGL protein (p.Val725Ala). This variant is present in population databases (rs770995943, gnomAD 0.003%). This variant has not been reported in the literature in individuals affected with AGL-related conditions. Algorithms developed to predict the effect of missense changes on protein structure and function are either unavailable or do not agree on the potential impact of this missense change (SIFT: "Tolerated"; PolyPhen-2: "Possibly Damaging"; Align-GVGD: "Class C0"). In summary, the available evidence is currently insufficient to determine the role of this variant in disease. Therefore, it has been classified as a Variant of Uncertain Significance.